The following is an entry in ClinVar:

NM_001040142.2(SCN2A):c.643G>A (p.Ala215Thr)

Gene: SCN2A (sodium voltage-gated channel alpha subunit 2; plus strand). Cytogenetic location: 2q24.3.
Variant type: single nucleotide variant.
Coding change: c.643G>A on transcript NM_001040142.2 (MANE Select); coding-DNA position 643, G replaced by A.
Protein change: p.Ala215Thr; replaces alanine 215 with threonine.
Molecular consequence: missense variant. On other transcripts: intron variant (2).
Genome position (GRCh38, 1-based): chr2:165,309,389, G>A. VCF-style: chr2-165309389-G-A. GRCh37 (hg19) VCF-style: chr2-166165899-G-A.
Other names: c.643G>A, p.Ala215Thr (NM_001371247.1, NM_021007.3); c.697+133G>A (NM_001040143.2, NM_001371246.1); short protein forms A215T.
Identifiers: ClinVar variation 851358 (VCV000851358.11), dbSNP rs1131691927, ClinGen allele CA349017432.

ClinVar aggregate classification (germline): Pathogenic. Review status: criteria provided, multiple submitters, no conflicts (2 of 4 stars). 2 submissions from 2 submitters: Pathogenic (2). Last evaluated 2025-11-13.

Conditions:
Seizures, benign familial infantile, 3 (BFIS3). Also called: CONVULSIONS, BENIGN FAMILIAL INFANTILE, 3; Familial neonatal seizures. Identifiers: Orphanet 140927, Orphanet 306, MedGen C1843140, MONDO:0011904, OMIM 607745.
Developmental and epileptic encephalopathy, 11 (DEE11). Also called: Early infantile epileptic encephalopathy 11. Identifiers: Orphanet 1934, MedGen C3150987, MONDO:0013388, OMIM 613721.
SCN2A-related disorder. Also called: SCN2A-related condition; SCN2A-related disorders. Identifiers: MedGen CN382226, MONDO:1060245.

Submissions (2):

3billion
Classification: Pathogenic for SCN2A-related disorder. Last evaluated: 2025-11-13. Review status: criteria provided, single submitter. Criteria: ACMG Guidelines, 2015. Collection method: clinical testing. Allele origin: germline. Affected: yes.
Comment: The variant is not observed in the gnomAD v4.1.0 dataset. Predicted Consequence/Location: The variant is located in a mutational hot spot and/or well-established functional domain in which established pathogenic variants have been reported. In silico tool predictions suggest damaging effect of the variant on gene or gene product [REVEL: 0.87 (>=0.6, sensitivity 0.68 and specificity 0.92); 3Cnet: 0.99 (> 0.75, sensitivity 0.96 and precision 0.92)]. The same nucleotide change resulting in the same amino acid change has been previously reported to be associated with SCN2A-related disorder (ClinVar ID: VCV000851358 /PMID: 34874093). The variant has been previously reported as de novo in a similarly affected individual (PMID: 34874093). Different missense changes at the same codon (p.Ala215Glu, p.Ala215Pro, p.Ala215Val) have been reported as pathogenic/likely pathogenic with strong evidence (ClinVar ID: VCV000430366, VCV001690637, VCV002417887 /PMID: 29655203, 38651838 /3billion dataset). Therefore, this variant is classified as Pathogenic according to the recommendation of ACMG/AMP guideline.

Labcorp Genetics (formerly Invitae), Labcorp
Classification: Pathogenic for Seizures, benign familial infantile, 3; Developmental and epileptic encephalopathy, 11. Last evaluated: 2024-11-25. Review status: criteria provided, single submitter. Criteria: Invitae Variant Classification Sherloc (09022015). Collection method: clinical testing. Allele origin: germline.
Comment: This sequence change replaces alanine, which is neutral and non-polar, with threonine, which is neutral and polar, at codon 215 of the SCN2A protein (p.Ala215Thr). This variant is not present in population databases (gnomAD no frequency). This missense change has been observed in individual(s) with clinical features of developmental and epileptic encephalopathy (PMID: 34874093). In at least one individual the variant was observed to be de novo. ClinVar contains an entry for this variant (Variation ID: 851358). Invitae Evidence Modeling of protein sequence and biophysical properties (such as structural, functional, and spatial information, amino acid conservation, physicochemical variation, residue mobility, and thermodynamic stability) indicates that this missense variant is expected to disrupt SCN2A protein function with a positive predictive value of 95%. For these reasons, this variant has been classified as Pathogenic.

Literature cited by the submitters: PubMed 34874093 (cited by 3billion and Labcorp Genetics (formerly Invitae), Labcorp); PubMed 29655203 (cited by 3billion).